The following is an entry in ClinVar:

ClinVar aggregate classification (germline): Likely benign. Review status: criteria provided, multiple submitters, no conflicts (2 of 4 stars). 2 submissions from 2 submitters: Likely benign (2). Last evaluated 2026-08-20.

Conditions:
RLBP1-related disorder. Also called: RLBP1-related condition; RLBP1-related disorders. Identifiers: MedGen CN239413.

Allele frequency attached by ClinVar (database versions not stated): gnomAD 0.00001; gnomAD exomes 0.00002; TOPMed 0.00002.
gnomAD v4.1: 24 of 1,567,260 alleles (0.0015%); highest among the groups gnomAD compares: South Asian, 0.0093%; no homozygotes.

Submissions (2):

PreventionGenetics, part of Exact Sciences
Classification: Likely benign for RLBP1-related condition. Last evaluated: 2026-08-20. Review status: criteria provided, single submitter. Criteria: ACMG Guidelines, 2015. Collection method: clinical testing. Allele origin: germline.
Comment: This variant is classified as likely benign based on ACMG/AMP sequence variant interpretation guidelines (Richards et al. 2015 PMID: 25741868, with internal and published modifications).

Labcorp Genetics (formerly Invitae), Labcorp
Classification: Likely benign. Last evaluated: 2026-01-26. Review status: criteria provided, single submitter. Criteria: Invitae Variant Classification Sherloc (09022015). Collection method: clinical testing. Allele origin: germline.

NM_000326.5(RLBP1):c.685-5C>T

Gene: RLBP1 (retinaldehyde binding protein 1; minus strand). Cytogenetic location: 15q26.1.
Variant type: single nucleotide variant.
Coding change: c.685-5C>T on transcript NM_000326.5 (MANE Select); 5 bases into the intron before coding-DNA position 685, C replaced by T.
Molecular consequence: intron variant.
Genome position (GRCh38, 1-based): chr15:89,210,814, G>A on the plus strand (C>T on the coding strand, the complement: RLBP1 is on the minus strand). VCF-style: chr15-89210814-G-A. GRCh37 (hg19) VCF-style: chr15-89754045-G-A.
Other names: c.685-5C>T (NM_000326.4).
Identifiers: ClinVar variation 1146974 (VCV001146974.10), dbSNP rs1453001738, ClinGen allele CA619510522.